The following is an entry in ClinVar:

ClinVar aggregate classification (germline): Uncertain significance (1 of 4 stars; one submission).

gnomAD v4.1: 5 of 1,614,156 alleles (0.00031%); highest among the groups gnomAD compares: South Asian, 0.0033%; no homozygotes.

Submission:

GeneDx
Classification: Uncertain significance. Last evaluated: 2024-02-12. Review status: criteria provided, single submitter. Criteria: GeneDx Variant Classification Process June 2021. Collection method: clinical testing. Allele origin: germline. Affected: yes.
Comment: In silico analysis supports that this missense variant has a deleterious effect on protein structure/function; Has not been previously published as pathogenic or benign to our knowledge

NM_001457.4(FLNB):c.2423C>T (p.Thr808Ile)

Gene: FLNB (filamin B; plus strand). Cytogenetic location: 3p14.3.
Variant type: single nucleotide variant.
Coding change: c.2423C>T on transcript NM_001457.4 (MANE Select); coding-DNA position 2423, C replaced by T.
Protein change: p.Thr808Ile; replaces threonine 808 with isoleucine.
Molecular consequence: missense variant.
Genome position (GRCh38, 1-based): chr3:58,110,109, C>T. VCF-style: chr3-58110109-C-T. GRCh37 (hg19) VCF-style: chr3-58095836-C-T.
Other names: c.2423C>T, p.Thr808Ile (NM_001164317.2, NM_001164318.2, NM_001164319.2); short protein forms T808I.
Identifiers: ClinVar variation 3368881 (VCV003368881.1).